The following is an entry in ClinVar:

ClinVar aggregate classification (germline): Pathogenic (1 of 4 stars; one submission).

Allele frequency attached by ClinVar (database versions not stated): gnomAD exomes 0.00001; ExAC 0.00002.

Submission:

Labcorp Genetics (formerly Invitae), Labcorp
Classification: Pathogenic. Last evaluated: 2022-09-19. Review status: criteria provided, single submitter. Criteria: Invitae Variant Classification Sherloc (09022015). Collection method: clinical testing. Allele origin: germline.
Comment: For these reasons, this variant has been classified as Pathogenic. ClinVar contains an entry for this variant (Variation ID: 1381618). This variant has not been reported in the literature in individuals affected with MYO18B-related conditions. This variant is present in population databases (rs778008936, gnomAD 0.007%). This sequence change creates a premature translational stop signal (p.Glu1601Glyfs*17) in the MYO18B gene. It is expected to result in an absent or disrupted protein product. Loss-of-function variants in MYO18B are known to be pathogenic (PMID: 25748484, 32184166, 32637634).

Literature cited by the submitters: PubMed 25748484; PubMed 32184166; PubMed 32637634.

NM_032608.7(MYO18B):c.4802del (p.Glu1601fs)

Genes: MYO18B (myosin XVIIIB; plus strand), MYO18B-AS1 (MYO18B antisense RNA 1; minus strand). Cytogenetic location: 22q12.1.
Variant type: Deletion.
Coding change: c.4802del on transcript NM_032608.7 (MANE Select); coding-DNA position 4802, one base deleted (A; older notation c.4802delA).
Protein change: p.Glu1601fs; shifts the reading frame from glutamic acid 1601.
Molecular consequence: frameshift variant.
Genome position (GRCh38, 1-based): chr22:25,898,440, A deleted. VCF-style (leftmost placement, unchanged base first): chr22-25898439-GA-G. GRCh37 (hg19) VCF-style: chr22-26294406-GA-G.
Other names: c.4805del, p.Glu1602fs (NM_001318245.2); short protein forms E1601fs, E1602fs.
Identifiers: ClinVar variation 1381618 (VCV001381618.6), dbSNP rs778008936, ClinGen allele CA10160981.